The following is an entry in ClinVar:

ClinVar aggregate classification (germline): Uncertain significance (1 of 4 stars; one submission).

Conditions:
Hereditary pancreatitis (PCTT). Also called: Hereditary chronic pancreatitis; PRSS1-Related Hereditary Pancreatitis. Identifiers: Orphanet 676, MedGen C0238339, MONDO:0008185, OMIM 167800.

Submission:

Ambry Genetics
Classification: Uncertain significance for Hereditary pancreatitis. Last evaluated: 2024-11-15. Review status: criteria provided, single submitter. Criteria: Ambry Variant Classification Scheme 2023. Collection method: clinical testing. Allele origin: germline.
Comment: The p.L11F variant (also known as c.33G>T), located in coding exon 1 of the CPA1 gene, results from a G to T substitution at nucleotide position 33. The leucine at codon 11 is replaced by phenylalanine, an amino acid with highly similar properties. This amino acid position is conserved. In addition, this alteration is predicted to be tolerated by in silico analysis. Since supporting evidence is limited at this time, the clinical significance of this alteration remains unclear.

NM_001868.4(CPA1):c.33G>T (p.Leu11Phe)

Gene: CPA1 (carboxypeptidase A1; plus strand). Cytogenetic location: 7q32.2.
Variant type: single nucleotide variant.
Coding change: c.33G>T on transcript NM_001868.4 (MANE Select); coding-DNA position 33, G replaced by T.
Protein change: p.Leu11Phe; replaces leucine 11 with phenylalanine.
Molecular consequence: missense variant.
Genome position (GRCh38, 1-based): chr7:130,380,553, G>T. VCF-style: chr7-130380553-G-T. GRCh37 (hg19) VCF-style: chr7-130020394-G-T.
Other names: short protein forms L11F.
Identifiers: ClinVar variation 1731050 (VCV001731050.3), dbSNP rs2117498366, ClinGen allele CA369278983.